The following is an entry in ClinVar:

ClinVar aggregate classification (germline): Pathogenic (1 of 4 stars; one submission).

Conditions:
Optic atrophy with or without deafness, ophthalmoplegia, myopathy, ataxia, and neuropathy. Also called: OPTIC ATROPHY PLUS SYNDROME. Identifiers: MedGen C3276549, MONDO:0007429, OMIM 125250.

Submission:

Centre for Inherited Metabolic Diseases, Karolinska University Hospital
Classification: Pathogenic for Optic atrophy with or without deafness, ophthalmoplegia, myopathy, ataxia, and neuropathy. Last evaluated: 2025-08-11. Review status: criteria provided, single submitter. Criteria: ACMG Guidelines, 2015. Collection method: clinical testing. Allele origin: unknown. Inheritance: Autosomal dominant inheritance. Affected: yes. Observed: 1 heterozygote.
Comment: Used criteria: PVS1, PM2, PM5,

NM_130837.3(OPA1):c.1703_1706dup (p.Ile570fs)

Gene: OPA1 (OPA1 mitochondrial dynamin like GTPase; plus strand). Cytogenetic location: 3q29.
Variant type: Duplication.
Coding change: c.1703_1706dup on transcript NM_130837.3 (MANE Select); coding-DNA positions 1703 to 1706, 4 bases duplicated (AAGC; older notation c.1703_1706dupAAGC).
Protein change: p.Ile570fs; shifts the reading frame from isoleucine 570.
Molecular consequence: frameshift variant.
Genome position (GRCh38, 1-based): chr3:193,645,749-193,645,752, AAGC duplicated. VCF-style (leftmost placement, unchanged base first): chr3-193645748-G-GAAGC. GRCh37 (hg19) VCF-style: chr3-193363537-G-GAAGC.
Other names: c.1169_1172dup, p.Ile392fs (NM_001354663.2); c.1166_1169dup, p.Ile391fs (NM_001354664.2); c.1538_1541dup, p.Ile515fs (NM_015560.3); c.1430_1433dup, p.Ile479fs (NM_130831.3); c.1484_1487dup, p.Ile497fs (NM_130832.3); c.1541_1544dup, p.Ile516fs (NM_130833.3); c.1592_1595dup, p.Ile533fs (NM_130834.3); c.1595_1598dup, p.Ile534fs (NM_130835.3); and 1 more; short protein forms I391fs, I392fs, I479fs, I497fs, I515fs, I516fs, I533fs, I534fs.
Identifiers: ClinVar variation 4075842 (VCV004075842.1).